The following is an entry in ClinVar:

NM_001171613.2(PREPL):c.546C>A (p.Asn182Lys)

Gene: PREPL (prolyl endopeptidase like; minus strand). Cytogenetic location: 2p21.
Variant type: single nucleotide variant.
Coding change: c.546C>A on transcript NM_001171613.2 (MANE Select); coding-DNA position 546, C replaced by A.
Protein change: p.Asn182Lys; replaces asparagine 182 with lysine.
Molecular consequence: missense variant.
Genome position (GRCh38, 1-based): chr2:44,339,303, G>T on the plus strand (C>A on the coding strand, the complement: PREPL is on the minus strand). VCF-style: chr2-44339303-G-T. GRCh37 (hg19) VCF-style: chr2-44566442-G-T.
Other names: c.813C>A, p.Asn271Lys (NM_001042385.2, NM_001042386.2, NM_001171603.1 and 4 more transcripts); c.546C>A, p.Asn182Lys (NM_001171617.1, NM_001374277.1); short protein forms N182K, N271K.
Identifiers: ClinVar variation 1056739 (VCV001056739.9), dbSNP rs200837029, ClinGen allele CA346692264.

ClinVar aggregate classification (germline): Uncertain significance (1 of 4 stars; one submission).

Conditions:
Myasthenic syndrome, congenital, 22 (CMS22). Also called: PREPL DEFICIENCY. Identifiers: MedGen C4479088, MONDO:0044299, OMIM 616224.

Submission:

Labcorp Genetics (formerly Invitae), Labcorp
Classification: Uncertain significance for Myasthenic syndrome, congenital, 22. Last evaluated: 2020-01-17. Review status: criteria provided, single submitter. Criteria: Invitae Variant Classification Sherloc (09022015). Collection method: clinical testing. Allele origin: germline.
Comment: This sequence change replaces asparagine with lysine at codon 271 of the PREPL protein (p.Asn271Lys). The asparagine residue is weakly conserved and there is a moderate physicochemical difference between asparagine and lysine. In summary, the available evidence is currently insufficient to determine the role of this variant in disease. Therefore, it has been classified as a Variant of Uncertain Significance. Algorithms developed to predict the effect of missense changes on protein structure and function (SIFT, PolyPhen-2, Align-GVGD) all suggest that this variant is likely to be tolerated, but these predictions have not been confirmed by published functional studies and their clinical significance is uncertain. This variant has not been reported in the literature in individuals with PREPL-related conditions. This variant is not present in population databases (ExAC no frequency).